The following is an entry in ClinVar:

ClinVar aggregate classification (germline): Uncertain significance (1 of 4 stars; one submission).

Conditions:
Inborn genetic diseases. Identifiers: MedGen C0950123, MeSH D030342.

gnomAD v4.1: 1 of 1,613,714 alleles (0.000062%); highest among the groups gnomAD compares: Non-Finnish European, 0.000085%; no homozygotes.

Submission:

Ambry Genetics
Classification: Uncertain significance for Inborn genetic diseases. Last evaluated: 2024-12-20. Review status: criteria provided, single submitter. Criteria: Ambry Variant Classification Scheme 2023. Collection method: clinical testing. Allele origin: germline.
Comment: The p.S1255C variant (also known as c.3764C>G), located in coding exon 1 of the SAMD9L gene, results from a C to G substitution at nucleotide position 3764. The serine at codon 1255 is replaced by cysteine, an amino acid with dissimilar properties. This amino acid position is conserved. In addition, this alteration is predicted to be tolerated by in silico analysis. Based on the available evidence, the clinical significance of this variant remains unclear.

NM_152703.5(SAMD9L):c.3764C>G (p.Ser1255Cys)

Gene: SAMD9L (sterile alpha motif domain containing 9 like; minus strand). Cytogenetic location: 7q21.2.
Variant type: single nucleotide variant.
Coding change: c.3764C>G on transcript NM_152703.5 (MANE Select); coding-DNA position 3764, C replaced by G.
Protein change: p.Ser1255Cys; replaces serine 1255 with cysteine.
Molecular consequence: missense variant.
Genome position (GRCh38, 1-based): chr7:93,132,208, G>C on the plus strand (C>G on the coding strand, the complement: SAMD9L is on the minus strand). VCF-style: chr7-93132208-G-C. GRCh37 (hg19) VCF-style: chr7-92761521-G-C.
Other names: c.3764C>G, p.Ser1255Cys (NM_001303496.3, NM_001303497.3, NM_001303498.3 and 5 more transcripts); short protein forms S1255C.
Identifiers: ClinVar variation 3792238 (VCV003792238.1).
Genomic context (GRCh38, chr7:93,132,208, plus strand): 5'-ATATAATCAATAAAAAAGTCAAAGCACCTTTTCAGATCTGATTGTAAATTTTTTAGGTGG[G>C]ATGTGAACTTGCTAAGAGCCAAATAACATTCATTTCTGGGATCAGGAGGAATGGTCCACT-3'
Protein context (NP_689916.2, residues 1245-1265): ECYLALSKFT[Ser1255Cys]HLKNLQSDLK